The following is an entry in ClinVar:

ClinVar aggregate classification (germline): Uncertain significance (1 of 4 stars; one submission).

Conditions:
Coffin-Siris syndrome 6. Identifiers: MedGen C4540499, MONDO:0033492, OMIM 617808.

Allele frequency attached by ClinVar (database versions not stated): gnomAD exomes 0.00001.
gnomAD v4.1: 3 of 1,614,038 alleles (0.00019%); highest among the groups gnomAD compares: South Asian, 0.0011%; no homozygotes.

Submission:

Neuberg Centre For Genomic Medicine, NCGM
Classification: Uncertain significance for Coffin-Siris syndrome 6. Review status: criteria provided, single submitter. Criteria: ACMG Guidelines, 2015. Collection method: clinical testing. Allele origin: germline. Affected: yes.
Comment: The missense variant p.Q658R in ARID2 (NM_152641.3) has not been reported previously as a pathogenic variant nor as a benign variant, to our knowledge. There is a small physicochemical difference between glutamine and arginine, which is not likely to impact secondary protein structure as these residues share similar properties. The p.Q658R missense variant is predicted to be damaging by both SIFT and PolyPhen2. The glutamine residue at codon 658 of ARID2 is conserved in all mammalian species. The nucleotide c.1973 in ARID2 is predicted conserved by GERP++ and PhyloP across 100 vertebrates. For these reasons, this variant has been classified as Uncertain Significance.

NM_152641.4(ARID2):c.1973A>G (p.Gln658Arg)

Gene: ARID2 (AT-rich interaction domain 2; plus strand). Cytogenetic location: 12q12.
Variant type: single nucleotide variant.
Coding change: c.1973A>G on transcript NM_152641.4 (MANE Select); coding-DNA position 1973, A replaced by G.
Protein change: p.Gln658Arg; replaces glutamine 658 with arginine.
Molecular consequence: missense variant.
Genome position (GRCh38, 1-based): chr12:45,850,096, A>G. VCF-style: chr12-45850096-A-G. GRCh37 (hg19) VCF-style: chr12-46243879-A-G.
Other names: c.1973A>G, p.Gln658Arg (NM_001347839.2); short protein forms Q658R.
Identifiers: ClinVar variation 1878537 (VCV001878537.1), dbSNP rs1467228632, ClinGen allele CA384469800.